The following is an entry in ClinVar:

NM_000038.6(APC):c.1743+973A>G

Gene: APC (APC regulator of WNT signaling pathway; plus strand). Cytogenetic location: 5q22.2.
Variant type: single nucleotide variant.
Coding change: c.1743+973A>G on transcript NM_000038.6 (MANE Select); 973 bases into the intron after coding-DNA position 1743, A replaced by G.
Molecular consequence: intron variant.
Genome position (GRCh38, 1-based): chr5:112,829,945, A>G. VCF-style: chr5-112829945-A-G. GRCh37 (hg19) VCF-style: chr5-112165642-A-G.
Other names: c.1743+973A>G (NM_001354895.2, NM_001127510.3); c.1773+973A>G (NM_001354897.2); c.1470+973A>G (NM_001354902.2); c.1689+973A>G (NM_001127511.3); c.1668+973A>G (NM_001354898.2); c.1365+973A>G (NM_001354904.2); c.894+973A>G (NM_001354906.2); c.1797+973A>G (NM_001354896.2); and 5 more.
Identifiers: ClinVar variation 83170 (VCV000083170.2), dbSNP rs78838474, ClinGen allele CA005725.
Genomic context (GRCh38, chr5:112,829,945, plus strand): 5'-ACAGAAGGAAATATCTCCAGGCAGTCCATCTGCTTCAGAAACTAGGCTAAATTTAAAAAG[A>G]AAAAAAAAAGTAAACTTGAAATCTGAGAGGGACCAAGCAAGTTGTCTTAGCTAGTCTAGG-3'

ClinVar aggregate classification (germline): other (0 of 4 stars; one submission).

Conditions:
Familial colorectal cancer. Identifiers: MedGen CN280943, MONDO:0023113. Disease mechanism: loss of function.

Submission:

Systems Biology Platform Zhejiang California International NanoSystems Institute
Classification: other for Familial colorectal cancer. Review status: no assertion criteria provided. Collection method: not provided. Allele origin: unknown.
ClinVar note: Converted during submission from cancer to other.